The following is an entry in ClinVar:

ClinVar aggregate classification (germline): Uncertain significance. Review status: criteria provided, multiple submitters, no conflicts (2 of 4 stars). 3 submissions from 3 submitters: Uncertain significance (2). 1 of the submissions does not count toward it. Last evaluated 2025-06-29.

Conditions:
CHARGE syndrome (CHARGE). Also called: Hittner Hirsch Kreh syndrome; Coloboma, heart anomaly, choanal atresia, retardation, genital and ear anomalies; CHARGE association; Hall-Hittner syndrome; CHARGE ASSOCIATION--COLOBOMA, HEART ANOMALY, CHOANAL ATRESIA, RETARDATION, GENITAL AND EAR ANOMALIES. Identifiers: Orphanet 138, MedGen C0265354, MONDO:0008965.
Intellectual disability. Also called: Intellectual developmental disorder; Intellectual functioning disability; intellectual disabilities. Identifiers: MedGen C3714756, MeSH D008607, MONDO:0001071, HP:0001249.

Allele frequency attached by ClinVar (database versions not stated): ExAC 0.00001; gnomAD 0.00001; gnomAD exomes 0.00002; TOPMed 0.00004.
gnomAD v4.1: 24 of 1,612,518 alleles (0.0015%); highest among the groups gnomAD compares: East Asian, 0.0045%; no homozygotes.

Submissions (3):

Labcorp Genetics (formerly Invitae), Labcorp
Classification: Uncertain significance for CHARGE syndrome. Last evaluated: 2025-06-29. Review status: criteria provided, single submitter. Criteria: Invitae Variant Classification Sherloc (09022015). Collection method: clinical testing. Allele origin: germline.
Comment: This sequence change replaces proline, which is neutral and non-polar, with leucine, which is neutral and non-polar, at codon 940 of the CHD7 protein (p.Pro940Leu). This variant is present in population databases (rs753887911, gnomAD 0.004%). This missense change has been observed in individuals with clinical features of CHD7-related conditions (PMID: 25472840, 30029678). ClinVar contains an entry for this variant (Variation ID: 975198). Invitae Evidence Modeling of protein sequence and biophysical properties (such as structural, functional, and spatial information, amino acid conservation, physicochemical variation, residue mobility, and thermodynamic stability) has been performed for this missense variant. However, the output from this modeling did not meet the statistical confidence thresholds required to predict the impact of this variant on CHD7 protein function. Experimental studies have shown that this missense change affects CHD7 function (PMID: 25472840). In summary, the available evidence is currently insufficient to determine the role of this variant in disease. Therefore, it has been classified as a Variant of Uncertain Significance.

CeGaT Center for Human Genetics Tuebingen
Classification: Uncertain significance. Last evaluated: 2025-02-01. Review status: criteria provided, single submitter. Criteria: CeGaT Center For Human Genetics Tuebingen Variant Classification Criteria Version 2. Collection method: clinical testing. Allele origin: germline. Affected: yes. Observed: 1 variant allele.
Comment: CHD7: PS3:Supporting

Centre de Biologie Pathologie Génétique, Centre Hospitalier Universitaire de Lille
Classification: Likely benign for Intellectual disability. Last evaluated: 2019-01-01. Review status: no assertion criteria provided. Collection method: clinical testing. Allele origin: inherited. Affected: yes. Not counted in ClinVar's aggregate classification.

Literature cited by the submitters: PubMed 25472840 (cited by Labcorp Genetics (formerly Invitae), Labcorp); PubMed 30029678 (cited by Labcorp Genetics (formerly Invitae), Labcorp).

NM_017780.4(CHD7):c.2819C>T (p.Pro940Leu)

Gene: CHD7 (chromodomain helicase DNA binding protein 7; plus strand). Cytogenetic location: 8q12.2.
Variant type: single nucleotide variant.
Coding change: c.2819C>T on transcript NM_017780.4 (MANE Select); coding-DNA position 2819, C replaced by T.
Protein change: p.Pro940Leu; replaces proline 940 with leucine.
Molecular consequence: missense variant. On other transcripts: intron variant (1).
Genome position (GRCh38, 1-based): chr8:60,821,911, C>T. VCF-style: chr8-60821911-C-T. GRCh37 (hg19) VCF-style: chr8-61734470-C-T.
Other names: c.1717-40318C>T (NM_001316690.1); short protein forms P940L.
Identifiers: ClinVar variation 975198 (VCV000975198.19), dbSNP rs753887911, ClinGen allele CA4759819.
Genomic context (GRCh38, chr8:60,821,911, plus strand): 5'-GGAGGCAGGACATAGATCAAGCAAAGATCGAGGAGTTTGAGAAACTAATGTCCAGGGAGC[C>T]GGAAACAGAGCGTGTGGTAAGAATTGGCTGATGGTAGAGAATTTAATTTGAAAATAGCAT-3'
Protein context (NP_060250.2, residues 930-950): EEFEKLMSRE[Pro940Leu]ETERVERPPA